The following is an entry in ClinVar:

ClinVar aggregate classification (germline): Benign/Likely benign. Review status: criteria provided, multiple submitters, no conflicts (2 of 4 stars). 3 submissions from 3 submitters: Benign (1); Likely benign (2). Last evaluated 2025-11-11.

Conditions:
Hereditary cancer-predisposing syndrome. Also called: Hereditary Cancer Syndrome; Neoplastic Syndromes, Hereditary; Hereditary neoplastic syndrome; Tumor predisposition. Identifiers: Orphanet 140162, MedGen C0027672, MeSH D009386, MONDO:0015356.
Prostate cancer, hereditary, 9 (HPC9). Identifiers: Orphanet 1331, MedGen C1970250, MONDO:0012597, OMIM 610997.

gnomAD v4.1: 5 of 1,614,108 alleles (0.00031%); highest among the groups gnomAD compares: Non-Finnish European, 0.00034%; no homozygotes.

Submissions (3):

Labcorp Genetics (formerly Invitae), Labcorp
Classification: Likely benign. Last evaluated: 2025-11-11. Review status: criteria provided, single submitter. Criteria: Invitae Variant Classification Sherloc (09022015). Collection method: clinical testing. Allele origin: germline.

Myriad Genetics, Inc.
Classification: Benign for Prostate cancer, hereditary, 9. Last evaluated: 2024-10-30. Review status: criteria provided, single submitter. Criteria: Myriad Autosomal Dominant, Autosomal Recessive and X-Linked Classification Criteria (2023). Collection method: clinical testing. Allele origin: unknown.
Comment: This variant is considered benign. This variant is a silent/synonymous amino acid change and it is not expected to impact splicing.

Ambry Genetics
Classification: Likely benign for Hereditary cancer-predisposing syndrome. Last evaluated: 2021-09-28. Review status: criteria provided, single submitter. Criteria: Ambry Variant Classification Scheme 2023. Collection method: clinical testing. Allele origin: germline.

NM_006361.6(HOXB13):c.474G>C (p.Pro158=)

Gene: HOXB13 (homeobox B13; minus strand). Cytogenetic location: 17q21.32.
Variant type: single nucleotide variant.
Coding change: c.474G>C on transcript NM_006361.6 (MANE Select); coding-DNA position 474, G replaced by C.
Protein change: p.Pro158=; no amino-acid change (proline 158 retained).
Molecular consequence: synonymous variant.
Genome position (GRCh38, 1-based): chr17:48,728,120, C>G on the plus strand (G>C on the coding strand, the complement: HOXB13 is on the minus strand). VCF-style: chr17-48728120-C-G. GRCh37 (hg19) VCF-style: chr17-46805482-C-G.
Identifiers: ClinVar variation 1621473 (VCV001621473.12), dbSNP rs35033273, ClinGen allele CA500660873.